The following is an entry in ClinVar:

ClinVar aggregate classification (germline): Likely benign. Review status: criteria provided, multiple submitters, no conflicts (2 of 4 stars). 2 submissions from 2 submitters: Likely benign (2). Last evaluated 2018-01-13.

Conditions:
Legius syndrome. Identifiers: Orphanet 137605, MedGen C1969623, MONDO:0012669, OMIM 611431. Disease mechanism: loss of function.

Allele frequency attached by ClinVar (database versions not stated): 1000 Genomes Project 0.00120; 1000 Genomes Project 30x 0.00172; gnomAD 0.00231 and 0.00234; TOPMed 0.00275; gnomAD exomes 0.00521.
gnomAD v4.1: 349 of 152,458 alleles (0.23%); highest among the groups gnomAD compares: Non-Finnish European, 0.37%; 1 homozygote.

Submissions (2):

Illumina Laboratory Services, Illumina
Classification: Likely benign for Legius syndrome. Last evaluated: 2018-01-13. Review status: criteria provided, single submitter. Criteria: ICSL Variant Classification Criteria 13 December 2019. Collection method: clinical testing. Allele origin: germline.
Comment: This variant was observed in the ICSL laboratory as part of a predisposition screen in an ostensibly healthy population. It had not been previously curated by ICSL or reported in the Human Gene Mutation Database (HGMD: prior to June 1st, 2018), and was therefore a candidate for classification through an automated scoring system. Utilizing variant allele frequency, disease prevalence and penetrance estimates, and inheritance mode, an automated score was calculated to assess if this variant is too frequent to cause the disease. Based on the score and internal cut-off values, a variant classified as likely benign is not then subjected to further curation. The score for this variant resulted in a classification of likely benign for this disease.

Breakthrough Genomics
Classification: Likely benign. Review status: criteria provided, single submitter. Criteria: ACMG Guidelines, 2015. Collection method: not provided. Allele origin: germline. Inheritance: Autosomal dominant inheritance. Affected: yes.

NM_152594.3(SPRED1):c.*3561G>A

Gene: SPRED1 (sprouty related EVH1 domain containing 1; plus strand). Cytogenetic location: 15q14.
Variant type: single nucleotide variant.
Coding change: c.*3561G>A on transcript NM_152594.3 (MANE Select); 3561 bases downstream of the stop codon, G replaced by A.
Molecular consequence: 3 prime UTR variant.
Genome position (GRCh38, 1-based): chr15:38,355,225, G>A. VCF-style: chr15-38355225-G-A. GRCh37 (hg19) VCF-style: chr15-38647426-G-A.
Identifiers: ClinVar variation 884236 (VCV000884236.5), dbSNP rs181980647, ClinGen allele CA269293810.